The following is an entry in ClinVar:

NM_052947.4(ALPK2):c.2141C>T (p.Thr714Ile)

Gene: ALPK2 (alpha kinase 2; minus strand). Cytogenetic location: 18q21.31.
Variant type: single nucleotide variant.
Coding change: c.2141C>T on transcript NM_052947.4 (MANE Select); coding-DNA position 2141, C replaced by T.
Protein change: p.Thr714Ile; replaces threonine 714 with isoleucine.
Molecular consequence: missense variant.
Genome position (GRCh38, 1-based): chr18:58,538,046, G>A on the plus strand (C>T on the coding strand, the complement: ALPK2 is on the minus strand). VCF-style: chr18-58538046-G-A. GRCh37 (hg19) VCF-style: chr18-56205278-G-A.
Other names: short protein forms T714I.
Identifiers: ClinVar variation 2560582 (VCV002560582.2), dbSNP rs2051664995, ClinGen allele CA402571480.

ClinVar aggregate classification (germline): Uncertain significance (1 of 4 stars; one submission).

Allele frequency attached by ClinVar (database versions not stated): gnomAD exomes below 0.00001; TOPMed below 0.00001.
gnomAD v4.1: 3 of 1,614,154 alleles (0.00019%); highest among the groups gnomAD compares: Non-Finnish European, 0.00025%; no homozygotes.

Submission:

Ambry Genetics
Classification: Uncertain significance. Last evaluated: 2023-04-08. Review status: criteria provided, single submitter. Criteria: Ambry Variant Classification Scheme 2023. Collection method: clinical testing. Allele origin: germline.
Comment: The p.T714I variant (also known as c.2141C>T), located in coding exon 4 of the ALPK2 gene, results from a C to T substitution at nucleotide position 2141. The threonine at codon 714 is replaced by isoleucine, an amino acid with similar properties. This amino acid position is conserved. In addition, this alteration is predicted to be tolerated by in silico analysis. Since supporting evidence is limited at this time, the clinical significance of this alteration remains unclear.